The following is an entry in ClinVar:

ClinVar aggregate classification (germline): Uncertain significance (1 of 4 stars; one submission).

Conditions:
Progressive familial heart block type IB (PFHB1B). Identifiers: Orphanet 871, MedGen C1970298, MONDO:0011474, OMIM 604559.

Submission:

Labcorp Genetics (formerly Invitae), Labcorp
Classification: Uncertain significance for Progressive familial heart block type IB. Last evaluated: 2025-09-08. Review status: criteria provided, single submitter. Criteria: Invitae Variant Classification Sherloc (09022015). Collection method: clinical testing. Allele origin: germline.
Comment: This sequence change replaces glutamic acid, which is acidic and polar, with valine, which is neutral and non-polar, at codon 814 of the TRPM4 protein (p.Glu814Val). This variant is not present in population databases (gnomAD no frequency). This variant has not been reported in the literature in individuals affected with TRPM4-related conditions. An algorithm developed to predict the effect of missense changes on protein structure and function (PolyPhen-2) suggests that this variant is likely to be disruptive. In summary, the available evidence is currently insufficient to determine the role of this variant in disease. Therefore, it has been classified as a Variant of Uncertain Significance.

NM_017636.4(TRPM4):c.2441A>T (p.Glu814Val)

Gene: TRPM4 (transient receptor potential cation channel subfamily M member 4; plus strand). Cytogenetic location: 19q13.33.
Variant type: single nucleotide variant.
Coding change: c.2441A>T on transcript NM_017636.4 (MANE Select); coding-DNA position 2441, A replaced by T.
Protein change: p.Glu814Val; replaces glutamic acid 814 with valine.
Molecular consequence: missense variant. On other transcripts: intron variant (1).
Genome position (GRCh38, 1-based): chr19:49,196,670, A>T. VCF-style: chr19-49196670-A-T. GRCh37 (hg19) VCF-style: chr19-49699927-A-T.
Other names: c.2096A>T, p.Glu699Val (NM_001321281.2); c.833A>T, p.Glu278Val (NM_001321282.2); c.1919A>T, p.Glu640Val (NM_001321283.2); c.1379A>T, p.Glu460Val (NM_001321285.2); c.2211-3630A>T (NM_001195227.2); short protein forms E278V, E699V, E460V, E640V, E814V.
Identifiers: ClinVar variation 4753133 (VCV004753133.1).